The following is an entry in ClinVar:

NM_006469.5(IVNS1ABP):c.934T>C (p.Phe312Leu)

Gene: IVNS1ABP (influenza virus NS1A binding protein; minus strand). Cytogenetic location: 1q25.3.
Variant type: single nucleotide variant.
Coding change: c.934T>C on transcript NM_006469.5 (MANE Select); coding-DNA position 934, T replaced by C.
Protein change: p.Phe312Leu; replaces phenylalanine 312 with leucine.
Molecular consequence: missense variant.
Genome position (GRCh38, 1-based): chr1:185,301,158, A>G on the plus strand (T>C on the coding strand, the complement: IVNS1ABP is on the minus strand). VCF-style: chr1-185301158-A-G. GRCh37 (hg19) VCF-style: chr1-185270290-A-G.
Other names: short protein forms F312L.
Identifiers: ClinVar variation 3033709 (VCV003033709.2), dbSNP rs375500212, ClinGen allele CA33412315.

ClinVar aggregate classification (germline): Uncertain significance (0 of 4 stars; one submission).

Conditions:
IVNS1ABP-related disorder. Also called: IVNS1ABP-related condition.

gnomAD v4.1: 1 of 1,613,470 alleles (0.000062%); no homozygotes.

Submission:

PreventionGenetics, part of Exact Sciences
Classification: Uncertain significance for IVNS1ABP-related condition. Last evaluated: 2024-01-05. Review status: no assertion criteria provided. Collection method: clinical testing. Allele origin: germline.
Comment: The IVNS1ABP c.934T>C variant is predicted to result in the amino acid substitution p.Phe312Leu. To our knowledge, this variant has not been reported in the literature or in a large population database, indicating this variant is rare. At this time, the clinical significance of this variant is uncertain due to the absence of conclusive functional and genetic evidence.